The following is an entry in ClinVar:

ClinVar aggregate classification (germline): Uncertain significance (1 of 4 stars; one submission).

gnomAD v4.1: 3 of 1,612,990 alleles (0.00019%); highest among the groups gnomAD compares: South Asian, 0.0011%; no homozygotes.

Submission:

Women's Health and Genetics/Laboratory Corporation of America, LabCorp
Classification: Uncertain significance. Last evaluated: 2025-06-24. Review status: criteria provided, single submitter. Criteria: LabCorp Variant Classification Summary - May 2015. Collection method: clinical testing. Allele origin: germline.
Comment: Variant summary: GALNS c.229C>A (p.Pro77Thr) results in a non-conservative amino acid change in the encoded protein sequence. Algorithms developed to predict the effect of missense changes on protein structure and function all suggest that this variant is likely to be disruptive. The variant was absent in 248002 control chromosomes. The available data on variant occurrences in the general population are insufficient to allow any conclusion about variant significance. To our knowledge, no occurrence of c.229C>A in individuals affected with Mucopolysaccharidosis Type IVA (Morquio Syndrome A) and no experimental evidence demonstrating its impact on protein function have been reported. No submitters have cited clinical-significance assessments for this variant to ClinVar. Based on the evidence outlined above, the variant was classified as uncertain significance.

NM_000512.5(GALNS):c.229C>A (p.Pro77Thr)

Gene: GALNS (galactosamine (N-acetyl)-6-sulfatase; minus strand). Cytogenetic location: 16q24.3.
Variant type: single nucleotide variant.
Coding change: c.229C>A on transcript NM_000512.5 (MANE Select); coding-DNA position 229, C replaced by A.
Protein change: p.Pro77Thr; replaces proline 77 with threonine.
Molecular consequence: missense variant. On other transcripts: intron variant (1).
Genome position (GRCh38, 1-based): chr16:88,842,721, G>T on the plus strand (C>A on the coding strand, the complement: GALNS is on the minus strand). VCF-style: chr16-88842721-G-T. GRCh37 (hg19) VCF-style: chr16-88909129-G-T.
Other names: c.247C>A, p.Pro83Thr (NM_001323544.2); c.-311-750C>A (NM_001323543.2); short protein forms P77T, P83T.
Identifiers: ClinVar variation 3907561 (VCV003907561.1).
Genomic context (GRCh38, chr16:88,842,721, plus strand): 5'-TGTTGGGCTCACCCCTTCCTGGGGGCGAGGGCCCCGCTGACTTACATGGCGAGCACAGAG[G>T]GTTGGCAGAATAGAAGTTTGGGAAAAGCAGCCCTTCTGCAGCCATCCGGTCCAAATTCGG-3'
Protein context (NP_000503.1, residues 67-87): LLFPNFYSAN[Pro77Thr]LCSPSRAALL